The following is an entry in ClinVar:

NM_004974.4(KCNA2):c.*1128C>A

Gene: KCNA2 (potassium voltage-gated channel subfamily A member 2; minus strand). Cytogenetic location: 1p13.3.
Variant type: single nucleotide variant.
Coding change: c.*1128C>A on transcript NM_004974.4 (MANE Select); 1128 bases downstream of the stop codon, C replaced by A.
Molecular consequence: 3 prime UTR variant. On other transcripts: missense variant (1).
Genome position (GRCh38, 1-based): chr1:110,602,155, G>T on the plus strand (C>A on the coding strand, the complement: KCNA2 is on the minus strand). VCF-style: chr1-110602155-G-T. GRCh37 (hg19) VCF-style: chr1-111144777-G-T.
Other names: c.910C>A, p.Gln304Lys (NM_001204269.2); short protein forms Q304K.
Identifiers: ClinVar variation 4881649 (VCV004881649.2).

ClinVar aggregate classification (germline): Uncertain significance (1 of 4 stars; one submission).

Conditions:
Developmental and epileptic encephalopathy, 32 (DEE32). Also called: Epileptic encephalopathy, early infantile, 32. Identifiers: Orphanet 442835, MedGen C4225350, MONDO:0014607, OMIM 616366.

Submission:

Dasa
Classification: Uncertain significance for Developmental and epileptic encephalopathy, 32. Last evaluated: 2025-12-05. Review status: criteria provided, single submitter. Criteria: DASA Assertion Criteria. Collection method: clinical testing. Allele origin: germline.
Comment: NM_001204269.2(KCNA2):c.910C>A (p.Gln304Lys) is a missense variant that results in the substitution of glutamine with lysine. This variant is absent from population databases. The currently available literature and clinical evidence are not sufficient to establish a definitive association between this variant and the reported condition. Therefore, this variant is classified as a variant of uncertain significance.